The following is an entry in ClinVar:

ClinVar aggregate classification (germline): Conflicting classifications of pathogenicity. Review status: criteria provided, conflicting classifications (1 of 4 stars). 7 submissions from 6 submitters: Uncertain significance (4); Benign (2); Likely benign (1). Last evaluated 2026-01-24.

Conditions:
Joubert syndrome. Also called: JOUBERT-BOLTSHAUSER SYNDROME; Familial aplasia of the vermis. Identifiers: Orphanet 475, MedGen C5979921, MONDO:0018772.
Meckel-Gruber syndrome. Also called: GRUBER SYNDROME; DYSENCEPHALIA SPLANCHNOCYSTICA; Dysencephalia splachnocystica. Identifiers: Orphanet 564, MedGen C0265215, MONDO:0018921.
Joubert syndrome 24 (JBTS24). Identifiers: Orphanet 475, MedGen C4084841, MONDO:0014724, OMIM 616654.
Meckel syndrome, type 8. Identifiers: Orphanet 564, MedGen C3836857, MONDO:0013482, OMIM 613885.

Allele frequency attached by ClinVar (database versions not stated): gnomAD exomes 0.00015 and 0.00030; 1000 Genomes Project 0.00020; ExAC 0.00030; 1000 Genomes Project 30x 0.00031; ESP Exome Variant Server 0.00031; gnomAD 0.00036 and 0.00039; TOPMed 0.00037.
gnomAD v4.1: 284 of 1,614,226 alleles (0.018%); highest among the groups gnomAD compares: African/African-American, 0.065%; no homozygotes.

Submissions (7):

Labcorp Genetics (formerly Invitae), Labcorp
Classification: Likely benign for Joubert syndrome; Meckel-Gruber syndrome. Last evaluated: 2026-01-24. Review status: criteria provided, single submitter. Criteria: Invitae Variant Classification Sherloc (09022015). Collection method: clinical testing. Allele origin: germline.

CeGaT Center for Human Genetics Tuebingen
Classification: Uncertain significance. Last evaluated: 2024-10-01. Review status: criteria provided, single submitter. Criteria: CeGaT Center For Human Genetics Tuebingen Variant Classification Criteria Version 2. Collection method: clinical testing. Allele origin: germline. Affected: yes. Observed: 1 variant allele.
Comment: TCTN2: PM2, BP4

Blueprint Genetics
Classification: Benign. Last evaluated: 2024-07-16. Review status: criteria provided, single submitter. Criteria: ACMG Guidelines, 2015. Collection method: clinical testing. Allele origin: germline.

Fulgent Genetics
Classification: Benign for Meckel syndrome, type 8; Joubert syndrome 24. Last evaluated: 2024-02-29. Review status: criteria provided, single submitter. Criteria: ACMG Guidelines, 2015. Collection method: clinical testing. Allele origin: germline.

GeneDx
Classification: Uncertain significance. Last evaluated: 2021-04-08. Review status: criteria provided, single submitter. Criteria: GeneDx Variant Classification Process June 2021. Collection method: clinical testing. Allele origin: germline. Affected: yes.
Comment: In silico analysis, which includes protein predictors and evolutionary conservation, supports that this variant does not alter protein structure/function; Has not been previously published as pathogenic or benign to our knowledge

Illumina Laboratory Services, Illumina
Classification: Uncertain significance for Joubert syndrome 24. Last evaluated: 2018-01-13. Review status: criteria provided, single submitter. Criteria: ICSL Variant Classification Criteria 13 December 2019. Collection method: clinical testing. Allele origin: germline.

Illumina Laboratory Services, Illumina
Classification: Uncertain significance for Meckel syndrome, type 8. Last evaluated: 2018-01-13. Review status: criteria provided, single submitter. Criteria: ICSL Variant Classification Criteria 13 December 2019. Collection method: clinical testing. Allele origin: germline.

NM_024809.5(TCTN2):c.571T>G (p.Ser191Ala)

Gene: TCTN2 (tectonic family member 2; plus strand). Cytogenetic location: 12q24.31.
Variant type: single nucleotide variant.
Coding change: c.571T>G on transcript NM_024809.5 (MANE Select); coding-DNA position 571, T replaced by G.
Protein change: p.Ser191Ala; replaces serine 191 with alanine.
Molecular consequence: missense variant.
Genome position (GRCh38, 1-based): chr12:123,686,842, T>G. VCF-style: chr12-123686842-T-G. GRCh37 (hg19) VCF-style: chr12-124171389-T-G.
Other names: c.568T>G, p.Ser190Ala (NM_001143850.3); short protein forms S191A, S190A.
Identifiers: ClinVar variation 307548 (VCV000307548.33), dbSNP rs146698907, ClinGen allele CA6860932.